The following is an entry in ClinVar:

NM_152419.3(HGSNAT):c.1516C>G (p.Arg506Gly)

Gene: HGSNAT (heparan-alpha-glucosaminide N-acetyltransferase; plus strand). Cytogenetic location: 8p11.21.
Variant type: single nucleotide variant.
Coding change: c.1516C>G on transcript NM_152419.3 (MANE Select); coding-DNA position 1516, C replaced by G.
Protein change: p.Arg506Gly; replaces arginine 506 with glycine.
Molecular consequence: missense variant.
Genome position (GRCh38, 1-based): chr8:43,196,999, C>G. VCF-style: chr8-43196999-C-G. GRCh37 (hg19) VCF-style: chr8-43052142-C-G.
Other names: c.1603C>G, p.Arg535Gly (NM_001363227.2); c.1324C>G, p.Arg442Gly (NM_001363228.2); c.652C>G, p.Arg218Gly (NM_001363229.2); short protein forms R535G, R442G, R218G, R506G.
Identifiers: ClinVar variation 2202586 (VCV002202586.3), dbSNP rs747240928, ClinGen allele CA371120262.

ClinVar aggregate classification (germline): Uncertain significance (1 of 4 stars; one submission).

Conditions:
Retinitis pigmentosa 73 (RP73). Identifiers: Orphanet 791, MedGen C4225287, MONDO:0014687, OMIM 616544.
Mucopolysaccharidosis, MPS-III-C (MPS3C). Also called: SANFILIPPO SYNDROME C; MPS III C; MUCOPOLYSACCHARIDOSIS, TYPE IIIC; Mucopolysaccharidosis type IIIC (Sanfilippo C); mucopolysaccharidosis type 3C; MPS IIIC (Sanfilippo Syndrome Type C). Identifiers: Orphanet 581, Orphanet 79271, MedGen C0086649, MONDO:0009657, OMIM 252930.

gnomAD v4.1: 1 of 1,611,522 alleles (0.000062%); highest among the groups gnomAD compares: South Asian, 0.0011%; no homozygotes.

Submission:

Labcorp Genetics (formerly Invitae), Labcorp
Classification: Uncertain significance for Retinitis pigmentosa 73; Mucopolysaccharidosis, MPS-III-C. Last evaluated: 2024-02-24. Review status: criteria provided, single submitter. Criteria: Invitae Variant Classification Sherloc (09022015). Collection method: clinical testing. Allele origin: germline.
Comment: This sequence change replaces arginine, which is basic and polar, with glycine, which is neutral and non-polar, at codon 506 of the HGSNAT protein (p.Arg506Gly). This variant is not present in population databases (gnomAD no frequency). This variant has not been reported in the literature in individuals affected with HGSNAT-related conditions. ClinVar contains an entry for this variant (Variation ID: 2202586). Advanced modeling of protein sequence and biophysical properties (such as structural, functional, and spatial information, amino acid conservation, physicochemical variation, residue mobility, and thermodynamic stability) performed at Invitae indicates that this missense variant is not expected to disrupt HGSNAT protein function with a negative predictive value of 95%. In summary, the available evidence is currently insufficient to determine the role of this variant in disease. Therefore, it has been classified as a Variant of Uncertain Significance.